The following is an entry in ClinVar:

NM_000219.6(KCNE1):c.349C>G (p.Gln117Glu)

Gene: KCNE1 (potassium voltage-gated channel subfamily E regulatory subunit 1; minus strand). Cytogenetic location: 21q22.12.
Variant type: single nucleotide variant.
Coding change: c.349C>G on transcript NM_000219.6 (MANE Select); coding-DNA position 349, C replaced by G.
Protein change: p.Gln117Glu; replaces glutamine 117 with glutamic acid.
Molecular consequence: missense variant.
Genome position (GRCh38, 1-based): chr21:34,449,286, G>C on the plus strand (C>G on the coding strand, the complement: KCNE1 is on the minus strand). VCF-style: chr21-34449286-G-C. GRCh37 (hg19) VCF-style: chr21-35821584-G-C.
Other names: c.349C>G, p.Gln117Glu (NM_001127668.4, NM_001127669.4, NM_001127670.4 and 4 more transcripts); short protein forms Q117E.
Identifiers: ClinVar variation 3373791 (VCV003373791.4).

ClinVar aggregate classification (germline): Uncertain significance (1 of 4 stars; one submission).

Conditions:
Long QT syndrome (LQTS). Identifiers: MedGen C0023976, MeSH D008133, MONDO:0002442. Disease mechanism: loss of function. Inheritance: Various modes of inheritance.

Submissions (2):

Labcorp Genetics (formerly Invitae), Labcorp
Classification: Uncertain significance for Long QT syndrome. Last evaluated: 2024-04-04. Review status: criteria provided, single submitter. Criteria: Invitae Variant Classification Sherloc (09022015). Collection method: clinical testing. Allele origin: germline.
Comment: This sequence change replaces glutamine, which is neutral and polar, with glutamic acid, which is acidic and polar, at codon 117 of the KCNE1 protein (p.Gln117Glu). This variant is not present in population databases (gnomAD no frequency). This variant has not been reported in the literature in individuals affected with KCNE1-related conditions. Advanced modeling of protein sequence and biophysical properties (such as structural, functional, and spatial information, amino acid conservation, physicochemical variation, residue mobility, and thermodynamic stability) has been performed at Invitae for this missense variant, however the output from this modeling did not meet the statistical confidence thresholds required to predict the impact of this variant on KCNE1 protein function. In summary, the available evidence is currently insufficient to determine the role of this variant in disease. Therefore, it has been classified as a Variant of Uncertain Significance.

Roden Lab, Vanderbilt University Medical Center
No classification provided (evidence only). Condition: Long QT syndrome 5. Review status: no classification provided. Collection method: in vitro. Allele origin: not applicable. Functional consequence: Effect on ion channel function. Not counted in ClinVar's aggregate classification.
ClinVar note: "not provided" was previously submitted as the classification for the variant. However, the classification appeared to be based only on an observation of functional data so it was converted to no classification on 2025-07-30.